The following is an entry in ClinVar:

ClinVar aggregate classification (germline): Pathogenic. Review status: criteria provided, multiple submitters, no conflicts (2 of 4 stars). 3 submissions from 3 submitters: Pathogenic (3). Last evaluated 2022-05-04.

Conditions:
Becker muscular dystrophy (BMD). Also called: MUSCULAR DYSTROPHY, PSEUDOHYPERTROPHIC PROGRESSIVE, BECKER TYPE; Becker Muscular Dystrophy (BMD). Identifiers: Orphanet 98895, MedGen C0917713, MONDO:0010311, OMIM 300376.
Duchenne muscular dystrophy (DMD). Also called: Duchenne Muscular Dystrophy (DMD); MUSCULAR DYSTROPHY, PSEUDOHYPERTROPHIC PROGRESSIVE, DUCHENNE TYPE. Identifiers: Orphanet 98896, MedGen C0013264, MONDO:0010679, OMIM 310200.

Allele frequency attached by ClinVar (database versions not stated): gnomAD 0.00001.
gnomAD v4.1: 1 of 1,205,562 alleles (0.000083%); highest among the groups gnomAD compares: Admixed American, 0.0022%; no homozygotes.

Submissions (3):

Mendelics
Classification: Pathogenic for Becker muscular dystrophy. Last evaluated: 2022-05-04. Review status: criteria provided, single submitter. Criteria: Mendelics Assertion Criteria 2019. Collection method: clinical testing. Allele origin: germline.

Labcorp Genetics (formerly Invitae), Labcorp
Classification: Pathogenic for Duchenne muscular dystrophy. Last evaluated: 2019-09-30. Review status: criteria provided, single submitter. Criteria: Invitae Variant Classification Sherloc (09022015). Collection method: clinical testing. Allele origin: germline.
Comment: For these reasons, this variant has been classified as Pathogenic. Loss-of-function variants in DMD are known to be pathogenic (PMID: 16770791, 25007885). Algorithms developed to predict the effect of sequence changes on RNA splicing suggest that this variant may create or strengthen a splice site, but this prediction has not been confirmed by published transcriptional studies. This variant has been observed in an individual affected with Duchenne muscular dystrophy (PMID: 19783145). This variant is not present in population databases (ExAC no frequency). This sequence change creates a premature translational stop signal (p.Gln1885*) in the DMD gene. It is expected to result in an absent or disrupted protein product.

Lifecell International Pvt. Ltd
Classification: Pathogenic for Duchenne muscular dystrophy. Review status: criteria provided, single submitter. Criteria: ACMG Guidelines, 2015. Collection method: clinical testing. Allele origin: germline. Inheritance: X-linked recessive inheritance. Affected: yes. Observed: 1 hemizygote.
Comment: A Hemixygote, Nonsense variant c.5629C>T in Exon 40 of the DMD gene that results in the amino acid substitution p.Gln1877* was identified. The observed variant has a maximum allele frequency of 0.00% in gnomAD exomes and genomes, respectively. The severity of the impact of this variant on the protein is high, based on the effect of the protein and REVEL score. Rare Exome Variant Ensemble Learner (REVEL) is an ensembl method for predicting the pathogenicity of missense variants based on a combination of scores from 13 individual tools: MutPred, FATHMM v2.3, VEST 3.0, PolyPhen-2, SIFT, PROVEAN, MutationAssessor, MutationTaster, LRT, GERP++, SiPhy, phyloP, and phastCons. The REVEL score for an individual missense variant can range from 0 to 1, with higher scores reflecting greater likelihood that the variant is disease-causing. ClinVar has also classified this variant as Pathogenic (Variation ID: 936227). The variant has been reported in a patient with DMD (Torella A et al.,2020). Based on the above evidence this variant has been classified as Pathogenic according to the ACMG guidelines.

Literature cited by the submitters: PubMed 16770791 (cited by Labcorp Genetics (formerly Invitae), Labcorp); PubMed 25007885 (cited by Labcorp Genetics (formerly Invitae), Labcorp); PubMed 19783145 (cited by Labcorp Genetics (formerly Invitae), Labcorp); PubMed 19959795 (cited by Lifecell International Pvt. Ltd).

NM_004006.3(DMD):c.5653C>T (p.Gln1885Ter)

Gene: DMD (dystrophin; minus strand). Cytogenetic location: Xp21.1.
Variant type: single nucleotide variant.
Coding change: c.5653C>T on transcript NM_004006.3 (MANE Select); coding-DNA position 5653, C replaced by T.
Protein change: p.Gln1885Ter; replaces glutamine 1885 with a stop codon.
Molecular consequence: nonsense.
Genome position (GRCh38, 1-based): chrX:32,343,220, G>A on the plus strand (C>T on the coding strand, the complement: DMD is on the minus strand). VCF-style: chrX-32343220-G-A. GRCh37 (hg19) VCF-style: chrX-32361337-G-A.
Other names: c.5629C>T, p.Gln1877Ter (NM_000109.4); c.5641C>T, p.Gln1881Ter (NM_004009.3); c.5284C>T, p.Gln1762Ter (NM_004010.3); c.1630C>T, p.Gln544Ter (NM_004011.4); c.1621C>T, p.Gln541Ter (NM_004012.4); short protein forms Q1762*, Q544*, Q1877*, Q1885*, Q541*, Q1881*.
Identifiers: ClinVar variation 936227 (VCV000936227.13), dbSNP rs1295935628, ClinGen allele CA412666024.